The following is an entry in ClinVar:

ClinVar aggregate classification (germline): Uncertain significance (1 of 4 stars; one submission).

Submission:

Labcorp Genetics (formerly Invitae), Labcorp
Classification: Uncertain significance. Last evaluated: 2023-04-10. Review status: criteria provided, single submitter. Criteria: Invitae Variant Classification Sherloc (09022015). Collection method: clinical testing. Allele origin: germline.
Comment: In summary, the available evidence is currently insufficient to determine the role of this variant in disease. Therefore, it has been classified as a Variant of Uncertain Significance. This variant has not been reported in the literature in individuals affected with KCNH1-related conditions. This variant is present in population databases (rs773677407, gnomAD 0.008%). This sequence change creates a premature translational stop signal (p.Gln965Valfs*7) in the KCNH1 gene. While this is not anticipated to result in nonsense mediated decay, it is expected to disrupt the last 25 amino acid(s) of the KCNH1 protein.

NM_172362.3(KCNH1):c.2892_2893del (p.Gln965fs)

Gene: KCNH1 (potassium voltage-gated channel subfamily H member 1; minus strand). Cytogenetic location: 1q32.2.
Variant type: Microsatellite.
Coding change: c.2892_2893del on transcript NM_172362.3 (MANE Select); coding-DNA positions 2892 to 2893, 2 bases deleted (TC; older notation c.2892_2893delTC).
Protein change: p.Gln965fs; shifts the reading frame from glutamine 965.
Molecular consequence: frameshift variant.
Genome position (GRCh38, 1-based): chr1:210,683,358-210,683,359, GA deleted on the plus strand (TC on the coding strand, the reverse complement: KCNH1 is on the minus strand); deleting any 2 consecutive bases within chr1:210,683,358-210,683,362 gives the same sequence; the c. name uses the placement nearest the transcript's 3' end. VCF-style (leftmost placement, unchanged base first): chr1-210683357-TGA-T. GRCh37 (hg19) VCF-style: chr1-210856699-TGA-T.
Other names: c.2811_2812del, p.Gln938fs (NM_002238.4); short protein forms Q938fs, Q965fs.
Identifiers: ClinVar variation 2909785 (VCV002909785.3), dbSNP rs773677407, ClinGen allele CA1379570.